The following is an entry in ClinVar:

NM_017654.4(SAMD9):c.302T>C (p.Val101Ala)

Gene: SAMD9 (sterile alpha motif domain containing 9; minus strand). Cytogenetic location: 7q21.2.
Variant type: single nucleotide variant.
Coding change: c.302T>C on transcript NM_017654.4 (MANE Select); coding-DNA position 302, T replaced by C.
Protein change: p.Val101Ala; replaces valine 101 with alanine.
Molecular consequence: missense variant.
Genome position (GRCh38, 1-based): chr7:93,105,796, A>G on the plus strand (T>C on the coding strand, the complement: SAMD9 is on the minus strand). VCF-style: chr7-93105796-A-G. GRCh37 (hg19) VCF-style: chr7-92735109-A-G.
Other names: c.302T>C, p.Val101Ala (NM_001193307.2); short protein forms V101A.
Identifiers: ClinVar variation 2635453 (VCV002635453.6), dbSNP rs559163594, ClinGen allele CA4343174.

ClinVar aggregate classification (germline): Uncertain significance. Review status: criteria provided, multiple submitters, no conflicts (2 of 4 stars). 4 submissions from 4 submitters: Uncertain significance (4). Last evaluated 2025-02-05.

Conditions:
Monosomy 7 myelodysplasia and leukemia syndrome 2. Identifiers: MedGen C5436668, MONDO:0030801, OMIM 619041.
Inborn genetic diseases. Identifiers: MedGen C0950123, MeSH D030342.
SAMD9-related disorder. Also called: SAMD9-related condition.

Allele frequency attached by ClinVar (database versions not stated): ExAC 0.00002; TOPMed 0.00002; gnomAD 0.00003; 1000 Genomes Project 30x 0.00031; 1000 Genomes Project 0.00040.
gnomAD v4.1: 7 of 1,614,132 alleles (0.00043%); highest among the groups gnomAD compares: African/African-American, 0.0093%; no homozygotes.

Submissions (4):

St. Jude Molecular Pathology, St. Jude Children's Research Hospital
Classification: Uncertain significance for Monosomy 7 myelodysplasia and leukemia syndrome 2. Last evaluated: 2025-02-05. Review status: criteria provided, single submitter. Criteria: St. Jude Assertion Criteria 2020. Collection method: clinical testing. Allele origin: germline.
Comment: The SAMD9 c.302T>C (p.Val101Ala) missense change has a maximum subpopulation frequency of 0.02% in gnomAD v2.1.1. The in silico tool REVEL predicts a benign effect on protein function, however in silico predictions have not been found to correlate with syndromic risk for SAMD9 variants and are thu s not considered supporting evidence of a pathogenic or benign effect (PMID: 34621053). To our knowledge, this variant has not been reported in individuals with SAMD9-associated conditions. In summary, the evidence currently available is insufficient to determine the clinical significance of this variant. It has therefore been classified as of uncertain significance.

Ambry Genetics
Classification: Uncertain significance for Inborn genetic diseases. Last evaluated: 2024-11-26. Review status: criteria provided, single submitter. Criteria: Ambry Variant Classification Scheme 2023. Collection method: clinical testing. Allele origin: germline.
Comment: The p.V101A variant (also known as c.302T>C), located in coding exon 1 of the SAMD9 gene, results from a T to C substitution at nucleotide position 302. The valine at codon 101 is replaced by alanine, an amino acid with similar properties. This amino acid position is conserved. In addition, this alteration is predicted to be tolerated by in silico analysis. Based on the available evidence, the clinical significance of this variant remains unclear.

Labcorp Genetics (formerly Invitae), Labcorp
Classification: Uncertain significance. Last evaluated: 2023-09-06. Review status: criteria provided, single submitter. Criteria: Invitae Variant Classification Sherloc (09022015). Collection method: clinical testing. Allele origin: germline.
Comment: This sequence change replaces valine, which is neutral and non-polar, with alanine, which is neutral and non-polar, at codon 101 of the SAMD9 protein (p.Val101Ala). This variant is present in population databases (rs559163594, gnomAD 0.02%). This variant has not been reported in the literature in individuals affected with SAMD9-related conditions. Advanced modeling of protein sequence and biophysical properties (such as structural, functional, and spatial information, amino acid conservation, physicochemical variation, residue mobility, and thermodynamic stability) performed at Invitae indicates that this missense variant is not expected to disrupt SAMD9 protein function. In summary, the available evidence is currently insufficient to determine the role of this variant in disease. Therefore, it has been classified as a Variant of Uncertain Significance.

PreventionGenetics, part of Exact Sciences
Classification: Uncertain significance for SAMD9-related condition. Last evaluated: 2023-03-14. Review status: criteria provided, single submitter. Criteria: ACMG Guidelines, 2015. Collection method: clinical testing. Allele origin: germline.
Comment: The SAMD9 c.302T>C variant is predicted to result in the amino acid substitution p.Val101Ala. To our knowledge, this variant has not been reported in the literature. This variant is reported in 0.018% of alleles in individuals of African descent in gnomAD. At this time, the clinical significance of this variant is uncertain due to the absence of conclusive functional and genetic evidence.